The following is an entry in ClinVar:

ClinVar aggregate classification (germline): Uncertain significance (1 of 4 stars; one submission).

Submission:

GeneDx
Classification: Uncertain significance. Last evaluated: 2024-09-23. Review status: criteria provided, single submitter. Criteria: GeneDx Variant Classification Process June 2021. Collection method: clinical testing. Allele origin: germline. Affected: yes.
Comment: Not observed at significant frequency in large population cohorts (gnomAD); In silico analysis supports that this missense variant has a deleterious effect on protein structure/function; Has not been previously published as pathogenic or benign to our knowledge; This variant is associated with the following publications: (PMID: 27535533)

NM_021098.3(CACNA1H):c.1295T>G (p.Leu432Arg)

Gene: CACNA1H (calcium voltage-gated channel subunit alpha1 H; plus strand). Cytogenetic location: 16p13.3.
Variant type: single nucleotide variant.
Coding change: c.1295T>G on transcript NM_021098.3 (MANE Select); coding-DNA position 1295, T replaced by G.
Protein change: p.Leu432Arg; replaces leucine 432 with arginine.
Molecular consequence: missense variant.
Genome position (GRCh38, 1-based): chr16:1,201,745, T>G. VCF-style: chr16-1201745-T-G. GRCh37 (hg19) VCF-style: chr16-1251745-T-G.
Other names: c.1295T>G, p.Leu432Arg (NM_001005407.2); short protein forms L432R.
Identifiers: ClinVar variation 3773965 (VCV003773965.1).